The following is an entry in ClinVar:

ClinVar aggregate classification (germline): Conflicting classifications of pathogenicity. Review status: criteria provided, conflicting classifications (1 of 4 stars). 3 submissions from 2 submitters: Uncertain significance (2); Likely benign (1). Last evaluated 2018-01-12.

Conditions:
Maturity-onset diabetes of the young type 1. Also called: MILD JUVENILE DIABETES MELLITUS; MODY, type I; MODY type 1; Diabetes mellitus MODY type 1; MODY HNF4A related; HNF4A-Related Maturity-Onset Diabetes of the Young Type 1. Identifiers: Orphanet 552, MedGen C1852093, MONDO:0007452, OMIM 125850. Disease mechanism: loss of function.
Maturity-onset diabetes of the young (MODY). Also called: Maturity onset diabetes mellitus in young. Identifiers: Orphanet 552, MedGen C0342276, MONDO:0018911, HP:0004904.
Familial hyperinsulinism. Also called: Congenital hyperinsulinism. Identifiers: Orphanet 276525, MedGen C3888018, MONDO:0017182. Disease mechanism: loss of function.

Allele frequency attached by ClinVar (database versions not stated): gnomAD 0.00055 and 0.00054; TOPMed 0.00060; 1000 Genomes Project 30x 0.00016; 1000 Genomes Project 0.00020.
gnomAD v4.1: 307 of 498,938 alleles (0.062%); highest among the groups gnomAD compares: Non-Finnish European, 0.095%; no homozygotes.

Submissions (3):

Illumina Laboratory Services, Illumina
Classification: Uncertain significance for Familial hyperinsulinism. Last evaluated: 2018-01-12. Review status: criteria provided, single submitter. Criteria: ICSL Variant Classification Criteria 13 December 2019. Collection method: clinical testing. Allele origin: germline.

Illumina Laboratory Services, Illumina
Classification: Uncertain significance for Maturity-onset diabetes of the young type 1. Last evaluated: 2018-01-12. Review status: criteria provided, single submitter. Criteria: ICSL Variant Classification Criteria 13 December 2019. Collection method: clinical testing. Allele origin: germline.

Clinical Genomics, Uppaluri K&H Personalized Medicine Clinic
Classification: Likely benign for Maturity-onset diabetes of the young. Review status: criteria provided, single submitter. Criteria: K & H Uppaluri Personalized Medicine Clinic Variant Classification & Assertion Criteria_Updated V.1. Collection method: research. Allele origin: unknown. Inheritance: Autosomal dominant inheritance.
Comment: Potent mutations in HNF4A are associated with poor insulin secretion in response to hyperglycemia. Associated with MODY1. Patients initially respond well to sulfonylureas but eventually become insulin dependent. However, more evidence is required to ascertain the role of this particular variant rs11574745 in MODY, yet.

Literature cited by the submitters: DOI 10.1159/000334532 (cited by Clinical Genomics, Uppaluri K&H Personalized Medicine Clinic); PubMed 18268044 (cited by Clinical Genomics, Uppaluri K&H Personalized Medicine Clinic); PubMed 17563455 (cited by Clinical Genomics, Uppaluri K&H Personalized Medicine Clinic); PubMed 32583173 (cited by Clinical Genomics, Uppaluri K&H Personalized Medicine Clinic); PubMed 35052457 (cited by Clinical Genomics, Uppaluri K&H Personalized Medicine Clinic); PubMed 35118593 (cited by Clinical Genomics, Uppaluri K&H Personalized Medicine Clinic).

NM_175914.5(HNF4A):c.*271C>T

Gene: HNF4A (hepatocyte nuclear factor 4 alpha; plus strand). Cytogenetic location: 20q13.12.
Variant type: single nucleotide variant.
Coding change: c.*271C>T on transcript NM_175914.5 (MANE Select); 271 bases downstream of the stop codon, C replaced by T.
Molecular consequence: 3 prime UTR variant.
Genome position (GRCh38, 1-based): chr20:44,429,936, C>T. VCF-style: chr20-44429936-C-T. GRCh37 (hg19) VCF-style: chr20-43058576-C-T.
Other names: c.*271C>T (NM_000457.6, NM_001030003.3, NM_001258355.2 and 3 more transcripts).
Identifiers: ClinVar variation 338437 (VCV000338437.6), dbSNP rs11574745, ClinGen allele CA10649725.